The following is an entry in ClinVar:

NM_000372.5(TYR):c.265T>C (p.Cys89Arg)

Gene: TYR (tyrosinase; plus strand). Cytogenetic location: 11q14.3.
Variant type: single nucleotide variant.
Coding change: c.265T>C on transcript NM_000372.5 (MANE Select); coding-DNA position 265, T replaced by C.
Protein change: p.Cys89Arg; replaces cysteine 89 with arginine.
Molecular consequence: missense variant.
Genome position (GRCh38, 1-based): chr11:89,178,218, T>C. VCF-style: chr11-89178218-T-C. GRCh37 (hg19) VCF-style: chr11-88911386-T-C.
Other names: short protein forms C89R.
Identifiers: ClinVar variation 3781 (VCV000003781.17), dbSNP rs28940877, ClinGen allele CA227553.

ClinVar aggregate classification (germline): Pathogenic/Likely pathogenic. Review status: criteria provided, multiple submitters, no conflicts (2 of 4 stars). 8 submissions from 7 submitters: Pathogenic (5); Likely pathogenic (1). 2 of the submissions do not count toward it. Last evaluated 2025-06-18.

Conditions:
Fair hair. Identifiers: MedGen C1849221, HP:0002286.
Ocular albinism. Identifiers: Orphanet 284804, MedGen C0078917, MeSH D016117, MONDO:0017304, HP:0001107.
Hypopigmentation of the skin. Identifiers: Orphanet 79376, MedGen C0162835, MONDO:0019290, HP:0001010.
Horizontal nystagmus. Identifiers: MedGen C0271385, HP:0000666.
Abnormal retinal morphology. Identifiers: MedGen C0035300, HP:0000479.
Strabismus. Identifiers: MedGen C0038379, MONDO:0003432, HP:0000486.
Albinism. Identifiers: MedGen C0001916, MONDO:0043209, HP:0001022.
Abnormal optic nerve morphology. Also called: Abnormality of the optic nerve. Identifiers: MedGen C0029131, HP:0000587.
Oculocutaneous albinism type 1. Also called: Albinism 1; ALBINISM I. Identifiers: Orphanet 352731, MedGen C0268494, MONDO:0018135. Disease mechanism: loss of function.
Oculocutaneous albinism type 1A (OCA1A). Also called: Albinism, oculocutaneous, type IA. Identifiers: Orphanet 352731, Orphanet 79431, MedGen C4551504, MONDO:0008745, OMIM 203100. Disease mechanism: loss of function.

Allele frequency attached by ClinVar (database versions not stated): TOPMed 0.00001; gnomAD exomes below 0.00001; gnomAD 0.00002 and 0.00001.
gnomAD v4.1: 4 of 1,614,078 alleles (0.00025%); highest among the groups gnomAD compares: African/African-American, 0.004%; no homozygotes.

Submissions (8):

Myriad Genetics, Inc.
Classification: Likely pathogenic for Oculocutaneous albinism type 1. Last evaluated: 2025-06-18. Review status: criteria provided, single submitter. Criteria: Myriad Autosomal Dominant, Autosomal Recessive and X-Linked Classification Criteria (2023). Collection method: clinical testing. Allele origin: unknown.
Comment: NM_000372.4(TYR):c.265T>C(C89R) is a missense variant classified as likely pathogenic in the context of oculocutaneous albinism, TYR-related. C89R has been observed in cases with relevant disease (PMID: 1899321, 34897530, 16517127, 27734839). Relevant functional assessments of this variant are available in the literature (PMID: 12724309). C89R has been observed in referenced population frequency databases. In summary, NM_000372.4(TYR):c.265T>C(C89R) is a missense variant that has functional support for pathogenicity and has been observed more frequently in cases with the relevant disease than in healthy populations. Please note: this variant was assessed in the context of healthy population screening.

MGZ Medical Genetics Center
Classification: Pathogenic for Oculocutaneous albinism type 1A. Last evaluated: 2022-05-16. Review status: criteria provided, single submitter. Criteria: ACMG Guidelines, 2015. Collection method: clinical testing. Allele origin: germline. Affected: yes. Observed: 1 variant allele.
Comment: ACMG criteria applied: PM3_STR, PS4_MOD, PM5, PM2_SUP, PP3

Labcorp Genetics (formerly Invitae), Labcorp
Classification: Pathogenic. Last evaluated: 2021-09-25. Review status: criteria provided, single submitter. Criteria: Invitae Variant Classification Sherloc (09022015). Collection method: clinical testing. Allele origin: germline.
Comment: This sequence change replaces cysteine with arginine at codon 89 of the TYR protein (p.Cys89Arg). The cysteine residue is highly conserved and there is a large physicochemical difference between cysteine and arginine. Advanced modeling of protein sequence and biophysical properties (such as structural, functional, and spatial information, amino acid conservation, physicochemical variation, residue mobility, and thermodynamic stability) performed at Invitae indicates that this missense variant is expected to disrupt TYR protein function. ClinVar contains an entry for this variant (Variation ID: 3781). This missense change has been observed in individual(s) with oculocutaneous albinism (PMID: 1899321, 16517127, 27734839). In at least one individual the data is consistent with the variant being in trans (on the opposite chromosome) from a pathogenic variant. This variant is not present in population databases (ExAC no frequency). For these reasons, this variant has been classified as Pathogenic. This variant disrupts the p.Cys89 amino acid residue in TYR. Other variant(s) that disrupt this residue have been observed in individuals with TYR-related conditions (PMID: 25216246), which suggests that this may be a clinically significant amino acid residue.

Genome-Nilou Lab
Classification: Pathogenic for Oculocutaneous albinism type 1A. Last evaluated: 2021-07-22. Review status: criteria provided, single submitter. Criteria: ACMG Guidelines, 2015. Collection method: clinical testing. Allele origin: germline. Affected: no.

Centre for Mendelian Genomics, University Medical Centre Ljubljana
Classification: Pathogenic for Oculocutaneous albinism type 1A. Last evaluated: 2019-11-07. Review status: criteria provided, single submitter. Criteria: ACMG Guidelines, 2015. Collection method: clinical testing. Allele origin: unknown. Affected: yes.
Comment: This variant was classified as: Pathogenic. The following ACMG criteria were applied in classifying this variant: PS1,PS3,PM2,PP3.

Centre for Mendelian Genomics, University Medical Centre Ljubljana
Classification: Pathogenic for Abnormal optic nerve morphology; Abnormal retinal morphology; Albinism; Fair hair; Horizontal nystagmus; Hypopigmentation of the skin; Ocular albinism; Strabismus. Last evaluated: 2017-01-01. Review status: criteria provided, single submitter. Criteria: ACMG Guidelines, 2015. Collection method: clinical testing. Allele origin: unknown. Affected: yes.

OMIM
Classification: Pathogenic for ALBINISM, OCULOCUTANEOUS, TYPE IA. Last evaluated: 2020-02-03. Review status: no assertion criteria provided. Collection method: literature only. Allele origin: germline. Not counted in ClinVar's aggregate classification.

Retina International
No classification provided. Review status: no classification provided. Collection method: not provided. Allele origin: not provided. Not counted in ClinVar's aggregate classification.

Literature cited by the submitters: PubMed 12724309 (cited by Myriad Genetics, Inc.); PubMed 16517127 (cited by Myriad Genetics, Inc. and Labcorp Genetics (formerly Invitae), Labcorp); PubMed 1899321 (cited by Myriad Genetics, Inc. and Labcorp Genetics (formerly Invitae), Labcorp); PubMed 27734839 (cited by Myriad Genetics, Inc. and Labcorp Genetics (formerly Invitae), Labcorp); PubMed 34897530 (cited by Myriad Genetics, Inc.); PubMed 25216246 (cited by Labcorp Genetics (formerly Invitae), Labcorp); PubMed 2903492 (cited by OMIM).